The following is an entry in ClinVar:

NM_006343.3(MERTK):c.1282A>G (p.Ser428Gly)

Gene: MERTK (MER proto-oncogene, tyrosine kinase; plus strand). Cytogenetic location: 2q13.
Variant type: single nucleotide variant.
Coding change: c.1282A>G on transcript NM_006343.3 (MANE Select); coding-DNA position 1282, A replaced by G.
Protein change: p.Ser428Gly; replaces serine 428 with glycine.
Molecular consequence: missense variant.
Genome position (GRCh38, 1-based): chr2:111,982,979, A>G. VCF-style: chr2-111982979-A-G. GRCh37 (hg19) VCF-style: chr2-112740556-A-G.
Other names: c.1282A>G (NM_006343.2); short protein forms S428G.
Identifiers: ClinVar variation 1054812 (VCV001054812.12), dbSNP rs555016686, ClinGen allele CA1831314.

ClinVar aggregate classification (germline): Benign/Likely benign. Review status: criteria provided, multiple submitters, no conflicts (2 of 4 stars). 4 submissions from 4 submitters: Benign (1); Likely benign (3). Last evaluated 2025-12-02.

Conditions:
Retinal dystrophy. Also called: Inherited retinal dystrophy. Identifiers: Orphanet 71862, MedGen C0854723, MeSH D058499, MONDO:0019118, HP:0000556.
MERTK-related disorder. Also called: MERTK-related condition.

Allele frequency attached by ClinVar (database versions not stated): gnomAD 0.00006 and 0.00008; TOPMed 0.00010; ExAC 0.00014; 1000 Genomes Project 30x 0.00016; gnomAD exomes 0.00018; 1000 Genomes Project 0.00020.
gnomAD v4.1: 104 of 1,614,020 alleles (0.0064%); highest among the groups gnomAD compares: East Asian, 0.2%; 1 homozygote.

Submissions (4):

Labcorp Genetics (formerly Invitae), Labcorp
Classification: Likely benign. Last evaluated: 2025-12-02. Review status: criteria provided, single submitter. Criteria: Invitae Variant Classification Sherloc (09022015). Collection method: clinical testing. Allele origin: germline.

PreventionGenetics, part of Exact Sciences
Classification: Likely benign for MERTK-related condition. Last evaluated: 2025-01-22. Review status: criteria provided, single submitter. Criteria: ACMG Guidelines, 2015. Collection method: clinical testing. Allele origin: germline.
Comment: This variant is classified as likely benign based on ACMG/AMP sequence variant interpretation guidelines (Richards et al. 2015 PMID: 25741868, with internal and published modifications).

Blueprint Genetics
Classification: Benign. Last evaluated: 2024-10-08. Review status: criteria provided, single submitter. Criteria: ACMG Guidelines, 2015. Collection method: clinical testing. Allele origin: germline.

Dept Of Ophthalmology, Nagoya University
Classification: Likely benign for Retinal dystrophy. Last evaluated: 2023-10-01. Review status: criteria provided, single submitter. Criteria: Submitter's publication. Collection method: research. Allele origin: germline. Affected: yes.